The following is an entry in ClinVar:

NM_002474.3(MYH11):c.459C>T (p.His153=)

Gene: MYH11 (myosin heavy chain 11; minus strand). Cytogenetic location: 16p13.11.
Variant type: single nucleotide variant.
Coding change: c.459C>T on transcript NM_002474.3 (MANE Select); coding-DNA position 459, C replaced by T.
Protein change: p.His153=; no amino-acid change (histidine 153 retained).
Molecular consequence: synonymous variant.
Genome position (GRCh38, 1-based): chr16:15,823,298, G>A on the plus strand (C>T on the coding strand, the complement: MYH11 is on the minus strand). VCF-style: chr16-15823298-G-A. GRCh37 (hg19) VCF-style: chr16-15917155-G-A.
Other names: c.459C>T, p.His153= (NM_001040113.2, NM_001040114.2, NM_022844.3).
Identifiers: ClinVar variation 383062 (VCV000383062.9), dbSNP rs1057521511, ClinGen allele CA16607128.
Genomic context (GRCh38, chr16:15,823,298, plus strand): 5'-GCCCTGAGTTCACTCACCTTGAAGCATGCTCCGGTAGGCCGTGTCTGCGATGGCGTAGAT[G>A]TGAGGCGGCATCTCGTGCCTCTTCTTGCCCTTGTACATGTCGACGATCTTCTCCGAGTAG-3'
Protein context (NP_002465.1, residues 143-163): KGKKRHEMPP[His153=]IYAIADTAYR

ClinVar aggregate classification (germline): Likely benign. Review status: criteria provided, multiple submitters, no conflicts (2 of 4 stars). 5 submissions from 5 submitters: Likely benign (5). Last evaluated 2025-04-27.

Conditions:
Familial thoracic aortic aneurysm and aortic dissection (TAAD). Also called: Thoracic aortic aneurysms and dissections. Identifiers: Orphanet 91387, MedGen C4707243, MONDO:0019625.
Aortic aneurysm, familial thoracic 4 (AAT4). Also called: AORTIC ANEURYSM/AORTIC DISSECTION AND PATENT DUCTUS ARTERIOSUS. Identifiers: MedGen C1851504, MONDO:0007568, OMIM 132900.

Allele frequency attached by ClinVar (database versions not stated): gnomAD exomes 0.00001.
gnomAD v4.1: 11 of 1,614,224 alleles (0.00068%); highest among the groups gnomAD compares: South Asian, 0.0022%; no homozygotes.

Submissions (5):

Labcorp Genetics (formerly Invitae), Labcorp
Classification: Likely benign for Aortic aneurysm, familial thoracic 4. Last evaluated: 2025-04-27. Review status: criteria provided, single submitter. Criteria: Invitae Variant Classification Sherloc (09022015). Collection method: clinical testing. Allele origin: germline.

All of Us Research Program, National Institutes of Health
Classification: Likely benign for Familial thoracic aortic aneurysm and aortic dissection. Last evaluated: 2023-12-13. Review status: criteria provided, single submitter. Criteria: ACMG Guidelines, 2015. Collection method: clinical testing. Allele origin: germline. Inheritance: Autosomal dominant inheritance. Observed: 4 variant alleles, 4 heterozygotes.
Comment: This study involves interpretation of variants in research participants for the purpose of population health screening. Participant phenotype was not available at the time of variant classification. Additional details can be found in publication PMID: 35346344, PMCID: PMC8962531

Ambry Genetics
Classification: Likely benign for Familial thoracic aortic aneurysm and aortic dissection. Last evaluated: 2019-09-15. Review status: criteria provided, single submitter. Criteria: Ambry Variant Classification Scheme 2023. Collection method: clinical testing. Allele origin: germline.

Color Diagnostics, LLC DBA Color Health
Classification: Likely benign for Familial thoracic aortic aneurysm and aortic dissection. Last evaluated: 2018-11-25. Review status: criteria provided, single submitter. Criteria: ACMG Guidelines, 2015. Collection method: clinical testing. Allele origin: germline.

GeneDx
Classification: Likely benign. Last evaluated: 2016-01-11. Review status: criteria provided, single submitter. Criteria: GeneDx Variant Classification (06012015). Collection method: clinical testing. Allele origin: germline. Affected: yes.
Comment: This variant is considered likely benign or benign based on one or more of the following criteria: it is a conservative change, it occurs at a poorly conserved position in the protein, it is predicted to be benign by multiple in silico algorithms, and/or has population frequency not consistent with disease.